The following is an entry in ClinVar:

NM_000093.5(COL5A1):c.5053AAG[1] (p.Lys1686del)

Genes: COL5A1 (collagen type V alpha 1 chain; plus strand), LOC101448202 (uncharacterized LOC101448202; minus strand). Cytogenetic location: 9q34.3.
Variant type: Microsatellite.
Coding change: c.5053AAG[1] on transcript NM_000093.5 (MANE Select); one copy of the 3-base unit AAG starting at c.5053; the reference has two copies in a row; one copy, 3 bases deleted.
Protein change: p.Lys1686del; deletes lysine 1686.
Molecular consequence: inframe deletion.
Genome position (GRCh38, 1-based): chr9:134,825,893-134,825,895, AAG deleted; deleting any 3 consecutive bases within chr9:134,825,890-134,825,895 gives the same sequence; the position shown is the placement nearest the transcript's 3' end. VCF-style (leftmost placement, unchanged base first): chr9-134825889-CAAG-C. GRCh37 (hg19) VCF-style: chr9-137717735-CAAG-C.
Other names: c.5053AAG[1], p.Lys1686del (NM_001278074.1); short protein forms K1686del.
Identifiers: ClinVar variation 1745064 (VCV001745064.2), dbSNP rs1184531257, ClinGen allele CA860881453.

ClinVar aggregate classification (germline): Uncertain significance (1 of 4 stars; one submission).

Conditions:
Familial thoracic aortic aneurysm and aortic dissection (TAAD). Also called: Thoracic aortic aneurysms and dissections. Identifiers: Orphanet 91387, MedGen C4707243, MONDO:0019625.

Submission:

Ambry Genetics
Classification: Uncertain significance for Familial thoracic aortic aneurysm and aortic dissection. Last evaluated: 2020-11-18. Review status: criteria provided, single submitter. Criteria: Ambry Variant Classification Scheme 2023. Collection method: clinical testing. Allele origin: germline.
Comment: The c.5056_5058delAAG variant (also known as p.K1686del) is located in coding exon 63 of the COL5A1 gene. This variant results from an in-frame AAG deletion at nucleotide positions 5056 to 5058. This results in the in-frame deletion of a lysine at codon 1686. This amino acid position is highly conserved in available vertebrate species. In addition, this alteration is predicted to be deleterious by in silico analysis (Choi Y et al. PLoS ONE. 2012; 7(10):e46688). Since supporting evidence is limited at this time, the clinical significance of this alteration remains unclear.